The following is an entry in ClinVar:

ClinVar aggregate classification (germline): Pathogenic. Review status: criteria provided, multiple submitters, no conflicts (2 of 4 stars). 3 submissions from 3 submitters: Pathogenic (3). Last evaluated 2025-12-13.

Conditions:
Neurofibromatosis, type 1 (NF1). Also called: NEUROFIBROMATOSIS, TYPE I, SOMATIC; Neurofibromatosis, type I; VON RECKLINGHAUSEN DISEASE; Peripheral type neurofibromatosis. Identifiers: Orphanet 636, MedGen C0027831, MONDO:0018975, OMIM 162200. Disease mechanism: loss of function.
NF1-related disorder. Also called: NF1-related condition. Identifiers: MedGen CN379171.

Allele frequency attached by ClinVar (database versions not stated): gnomAD 0.00001.
gnomAD v4.1: 2 of 1,613,692 alleles (0.00012%); highest among the groups gnomAD compares: Admixed American, 0.0017%; no homozygotes.

Submissions (3):

Labcorp Genetics (formerly Invitae), Labcorp
Classification: Pathogenic for Neurofibromatosis, type 1. Last evaluated: 2025-12-13. Review status: criteria provided, single submitter. Criteria: Invitae Variant Classification Sherloc (09022015). Collection method: clinical testing. Allele origin: germline.
Comment: This sequence change creates a premature translational stop signal (p.Ser436*) in the NF1 gene. It is expected to result in an absent or disrupted protein product. Loss-of-function variants in NF1 are known to be pathogenic (PMID: 10712197, 23913538). This variant is not present in population databases (gnomAD no frequency). This premature translational stop signal has been observed in individual(s) with neurofibromatosis, type 1 (PMID: 23656349, 29849115). Invitae Evidence Modeling of clinical and family history, age, sex, and reported ancestry of multiple individuals with this NF1 variant has been performed. This variant is expected to be pathogenic with a positive predictive value of at least 99%. This is a validated machine learning model that incorporates the clinical features of 1,785,918 individuals referred to our laboratory for NF1 testing. ClinVar contains an entry for this variant (Variation ID: 1456874). Algorithms developed to predict the effect of sequence changes on RNA splicing suggest that this variant may disrupt the consensus splice site. For these reasons, this variant has been classified as Pathogenic.

Institute of Medical Genetics and Applied Genomics, University Hospital Tübingen
Classification: Pathogenic for Neurofibromatosis, type 1. Last evaluated: 2025-03-26. Review status: criteria provided, single submitter. Criteria: ACMG Guidelines, 2015. Collection method: clinical testing. Allele origin: germline. Inheritance: Autosomal dominant inheritance. Affected: yes.

Blueprint Genetics
Classification: Pathogenic for NF1-related disorders. Last evaluated: 2023-01-17. Review status: criteria provided, single submitter. Criteria: ACMG Guidelines, 2015. Collection method: clinical testing. Allele origin: germline. Affected: yes. Observed: 2 variant alleles.

Literature cited by the submitters: PubMed 10712197 (cited by Labcorp Genetics (formerly Invitae), Labcorp); PubMed 23913538 (cited by Labcorp Genetics (formerly Invitae), Labcorp); PubMed 23656349 (cited by Labcorp Genetics (formerly Invitae), Labcorp); PubMed 29849115 (cited by Labcorp Genetics (formerly Invitae), Labcorp).

NM_001042492.3(NF1):c.1307C>A (p.Ser436Ter)

Gene: NF1 (neurofibromin 1; plus strand). Cytogenetic location: 17q11.2.
Variant type: single nucleotide variant.
Coding change: c.1307C>A on transcript NM_001042492.3 (MANE Select); coding-DNA position 1307, C replaced by A.
Protein change: p.Ser436Ter; replaces serine 436 with a stop codon.
Molecular consequence: nonsense.
Genome position (GRCh38, 1-based): chr17:31,206,286, C>A. VCF-style: chr17-31206286-C-A. GRCh37 (hg19) VCF-style: chr17-29533304-C-A.
Other names: c.1307C>A, p.Ser436Ter (NM_000267.4, NM_001128147.3); short protein forms S436*.
Identifiers: ClinVar variation 1456874 (VCV001456874.8), dbSNP rs755190083, ClinGen allele CA398999342.